The following is an entry in ClinVar:

NM_021096.4(CACNA1I):c.6254G>A (p.Arg2085His)

Gene: CACNA1I (calcium voltage-gated channel subunit alpha1 I; plus strand). Cytogenetic location: 22q13.1.
Variant type: single nucleotide variant.
Coding change: c.6254G>A on transcript NM_021096.4 (MANE Select); coding-DNA position 6254, G replaced by A.
Protein change: p.Arg2085His; replaces arginine 2085 with histidine.
Molecular consequence: missense variant.
Genome position (GRCh38, 1-based): chr22:39,685,987, G>A. VCF-style: chr22-39685987-G-A. GRCh37 (hg19) VCF-style: chr22-40081992-G-A.
Other names: c.6149G>A, p.Arg2050His (NM_001003406.2); short protein forms R2050H, R2085H.
Identifiers: ClinVar variation 4527643 (VCV004527643.1).

ClinVar aggregate classification (germline): Uncertain significance (1 of 4 stars; one submission).

Submission:

GeneDx
Classification: Uncertain significance. Last evaluated: 2025-04-23. Review status: criteria provided, single submitter. Criteria: GeneDx Variant Classification Process June 2021. Collection method: clinical testing. Allele origin: germline. Affected: yes.
Comment: Not observed at significant frequency in large population cohorts (gnomAD); In silico analysis indicates that this missense variant does not alter protein structure/function; Has not been previously published as pathogenic or benign to our knowledge